The following is an entry in ClinVar:

ClinVar aggregate classification (germline): Uncertain significance (1 of 4 stars; one submission).

Allele frequency attached by ClinVar (database versions not stated): TOPMed below 0.00001.
gnomAD v4.1: 7 of 1,586,504 alleles (0.00044%); highest among the groups gnomAD compares: East Asian, 0.0023%; no homozygotes.

Submission:

Labcorp Genetics (formerly Invitae), Labcorp
Classification: Uncertain significance. Last evaluated: 2022-08-22. Review status: criteria provided, single submitter. Criteria: Invitae Variant Classification Sherloc (09022015). Collection method: clinical testing. Allele origin: germline.
Comment: This variant is present in population databases (no rsID available, gnomAD 0.007%). This sequence change replaces leucine, which is neutral and non-polar, with valine, which is neutral and non-polar, at codon 357 of the COQ2 protein (p.Leu357Val). This variant has not been reported in the literature in individuals affected with COQ2-related conditions. In summary, the available evidence is currently insufficient to determine the role of this variant in disease. Therefore, it has been classified as a Variant of Uncertain Significance. Algorithms developed to predict the effect of sequence changes on RNA splicing suggest that this variant may create or strengthen a splice site. Algorithms developed to predict the effect of missense changes on protein structure and function output the following: SIFT: "Tolerated"; PolyPhen-2: "Benign"; Align-GVGD: "Class C0". The valine amino acid residue is found in multiple mammalian species, which suggests that this missense change does not adversely affect protein function.

NM_001358921.2(COQ2):c.919C>G (p.Leu307Val)

Gene: COQ2 (coenzyme Q2, polyprenyltransferase; minus strand). Cytogenetic location: 4q21.23.
Variant type: single nucleotide variant.
Coding change: c.919C>G on transcript NM_001358921.2 (MANE Select); coding-DNA position 919, C replaced by G.
Protein change: p.Leu307Val; replaces leucine 307 with valine.
Molecular consequence: missense variant.
Genome position (GRCh38, 1-based): chr4:83,267,618, G>C on the plus strand (C>G on the coding strand, the complement: COQ2 is on the minus strand). VCF-style: chr4-83267618-G-C. GRCh37 (hg19) VCF-style: chr4-84188771-G-C.
Other names: c.1069C>G, p.Leu357Val (NM_015697.9); short protein forms L307V, L357V.
Identifiers: ClinVar variation 2070619 (VCV002070619.4), dbSNP rs1160632351, ClinGen allele CA357228945.